The following is an entry in ClinVar:

NM_000254.3(MTR):c.2474A>G (p.Asp825Gly)

Gene: MTR (5-methyltetrahydrofolate-homocysteine methyltransferase; plus strand). Cytogenetic location: 1q43.
Variant type: single nucleotide variant.
Coding change: c.2474A>G on transcript NM_000254.3 (MANE Select); coding-DNA position 2474, A replaced by G.
Protein change: p.Asp825Gly; replaces aspartic acid 825 with glycine.
Molecular consequence: missense variant. On other transcripts: intron variant (1).
Genome position (GRCh38, 1-based): chr1:236,874,726, A>G. VCF-style: chr1-236874726-A-G. GRCh37 (hg19) VCF-style: chr1-237038026-A-G.
Other names: c.2321A>G, p.Asp774Gly (NM_001291939.1); c.1253A>G, p.Asp418Gly (NM_001291940.2); c.2406-6029A>G (NM_001410942.1); short protein forms D418G, D774G, D825G.
Identifiers: ClinVar variation 2635363 (VCV002635363.1), dbSNP rs1359827243, ClinGen allele CA345381529.

ClinVar aggregate classification (germline): Likely pathogenic (1 of 4 stars; one submission).

Conditions:
MTR-related disorder. Also called: MTR-related condition.

gnomAD v4.1: 20 of 1,566,416 alleles (0.0013%); highest among the groups gnomAD compares: Non-Finnish European, 0.0016%; no homozygotes.

Submission:

PreventionGenetics, part of Exact Sciences
Classification: Likely pathogenic for MTR-related condition. Last evaluated: 2023-02-22. Review status: criteria provided, single submitter. Criteria: ACMG Guidelines, 2015. Collection method: clinical testing. Allele origin: germline.
Comment: The MTR c.2474A>G variant is predicted to result in the amino acid substitution p.Asp825Gly. To our knowledge, this variant has not been reported in the literature or in a large population database, indicating this variant is rare. This variant resides at the 5' terminal end of exon 24 and may alter splicing based computational prediction programs (Alamut Visual Plus V1.6.1). Based on this evidence, we interpret this variant as likely pathogenic.